The following is an entry in ClinVar:

NM_018206.6(VPS35):c.1496G>A (p.Arg499His)

Gene: VPS35 (VPS35 retromer complex component; minus strand). Cytogenetic location: 16q11.2.
Variant type: single nucleotide variant.
Coding change: c.1496G>A on transcript NM_018206.6 (MANE Select); coding-DNA position 1496, G replaced by A.
Protein change: p.Arg499His; replaces arginine 499 with histidine.
Molecular consequence: missense variant.
Genome position (GRCh38, 1-based): chr16:46,671,733, C>T on the plus strand (G>A on the coding strand, the complement: VPS35 is on the minus strand). VCF-style: chr16-46671733-C-T. GRCh37 (hg19) VCF-style: chr16-46705645-C-T.
Other names: short protein forms R499H.
Identifiers: ClinVar variation 4746598 (VCV004746598.1).

ClinVar aggregate classification (germline): Uncertain significance (1 of 4 stars; one submission).

Conditions:
Parkinson disease 17 (PARK17). Also called: VPS35-Related Parkinson Disease. Identifiers: Orphanet 411602, MedGen C3280133, MONDO:0013625, OMIM 614203.

gnomAD v4.1: 38 of 1,614,146 alleles (0.0024%); highest among the groups gnomAD compares: East Asian, 0.02%; no homozygotes.

Submission:

Labcorp Genetics (formerly Invitae), Labcorp
Classification: Uncertain significance for Parkinson disease 17. Last evaluated: 2026-01-25. Review status: criteria provided, single submitter. Criteria: Invitae Variant Classification Sherloc (09022015). Collection method: clinical testing. Allele origin: germline.
Comment: This sequence change replaces arginine, which is basic and polar, with histidine, which is basic and polar, at codon 499 of the VPS35 protein (p.Arg499His). This variant is present in population databases (rs780577406, gnomAD 0.01%). This missense change has been observed in individual(s) with clinical features of VPS35-related conditions (PMID: 31996268). Invitae Evidence Modeling of protein sequence and biophysical properties (such as structural, functional, and spatial information, amino acid conservation, physicochemical variation, residue mobility, and thermodynamic stability) indicates that this missense variant is not expected to disrupt VPS35 protein function with a negative predictive value of 80%. In summary, the available evidence is currently insufficient to determine the role of this variant in disease. Therefore, it has been classified as a Variant of Uncertain Significance.

Literature cited by the submitters: PubMed 31996268.